The following is an entry in ClinVar:

NM_005219.5(DIAPH1):c.2359C>T (p.Leu787Phe)

Gene: DIAPH1 (diaphanous related formin 1; minus strand). Cytogenetic location: 5q31.3.
Variant type: single nucleotide variant.
Coding change: c.2359C>T on transcript NM_005219.5 (MANE Select); coding-DNA position 2359, C replaced by T.
Protein change: p.Leu787Phe; replaces leucine 787 with phenylalanine.
Molecular consequence: missense variant.
Genome position (GRCh38, 1-based): chr5:141,572,040, G>A on the plus strand (C>T on the coding strand, the complement: DIAPH1 is on the minus strand). VCF-style: chr5-141572040-G-A. GRCh37 (hg19) VCF-style: chr5-140951607-G-A.
Other names: c.2332C>T, p.Leu778Phe (NM_001079812.3); c.2359C>T, p.Leu787Phe (NM_001314007.2); short protein forms L778F, L787F.
Identifiers: ClinVar variation 1523067 (VCV001523067.6), dbSNP rs2099895261, ClinGen allele CA361513816.

ClinVar aggregate classification (germline): Uncertain significance (1 of 4 stars; one submission).

Conditions:
Autosomal dominant nonsyndromic hearing loss 1. Also called: KONIGSMARK SYNDROME; DEAFNESS, AUTOSOMAL DOMINANT 1, WITH OR WITHOUT THROMBOCYTOPENIA. Identifiers: Orphanet 90635, MedGen C1852282, MONDO:0007424, OMIM 124900.
Progressive microcephaly-seizures-cortical blindness-developmental delay syndrome. Also called: Seizures, cortical blindness, and microcephaly syndrome. Identifiers: Orphanet 477814, MedGen C5567650, MONDO:0014714, OMIM 616632.

Allele frequency attached by ClinVar (database versions not stated): gnomAD exomes below 0.00001; gnomAD 0.00001.
gnomAD v4.1: 4 of 1,607,854 alleles (0.00025%); highest among the groups gnomAD compares: African/African-American, 0.0027%; no homozygotes.

Submission:

Labcorp Genetics (formerly Invitae), Labcorp
Classification: Uncertain significance for Progressive microcephaly-seizures-cortical blindness-developmental delay syndrome; Autosomal dominant nonsyndromic hearing loss 1. Last evaluated: 2021-07-31. Review status: criteria provided, single submitter. Criteria: Invitae Variant Classification Sherloc (09022015). Collection method: clinical testing. Allele origin: germline.
Comment: In summary, the available evidence is currently insufficient to determine the role of this variant in disease. Therefore, it has been classified as a Variant of Uncertain Significance. Algorithms developed to predict the effect of missense changes on protein structure and function output the following: SIFT: "Tolerated"; PolyPhen-2: "Benign"; Align-GVGD: "Class C0". The phenylalanine amino acid residue is found in multiple mammalian species, which suggests that this missense change does not adversely affect protein function. This sequence change replaces leucine with phenylalanine at codon 787 of the DIAPH1 protein (p.Leu787Phe). The leucine residue is weakly conserved and there is a small physicochemical difference between leucine and phenylalanine. This variant is not present in population databases (ExAC no frequency). This variant has not been reported in the literature in individuals affected with DIAPH1-related conditions.